The following is an entry in ClinVar:

NM_005751.5(AKAP9):c.11686G>T (p.Gly3896Cys)

Gene: AKAP9 (A-kinase anchoring protein 9; plus strand). Cytogenetic location: 7q21.2.
Variant type: single nucleotide variant.
Coding change: c.11686G>T on transcript NM_005751.5 (MANE Select); coding-DNA position 11686, G replaced by T.
Protein change: p.Gly3896Cys; replaces glycine 3896 with cysteine.
Molecular consequence: missense variant.
Genome position (GRCh38, 1-based): chr7:92,108,633, G>T. VCF-style: chr7-92108633-G-T. GRCh37 (hg19) VCF-style: chr7-91737947-G-T.
Other names: c.6331G>T, p.Gly2111Cys (NM_001379277.1); c.11662G>T, p.Gly3888Cys (NM_147185.3); short protein forms G3896C, G3888C, G2111C.
Identifiers: ClinVar variation 656472 (VCV000656472.8), dbSNP rs759598006, ClinGen allele CA4338248.

ClinVar aggregate classification (germline): Uncertain significance (1 of 4 stars; one submission).

Conditions:
Long QT syndrome (LQTS). Identifiers: MedGen C0023976, MeSH D008133, MONDO:0002442. Disease mechanism: loss of function. Inheritance: Various modes of inheritance.

Allele frequency attached by ClinVar (database versions not stated): gnomAD exomes below 0.00001; ExAC 0.00001.
gnomAD v4.1: 1 of 1,614,144 alleles (0.000062%); highest among the groups gnomAD compares: African/African-American, 0.0013%; no homozygotes.

Submission:

Labcorp Genetics (formerly Invitae), Labcorp
Classification: Uncertain significance for Long QT syndrome. Last evaluated: 2024-03-28. Review status: criteria provided, single submitter. Criteria: Invitae Variant Classification Sherloc (09022015). Collection method: clinical testing. Allele origin: germline.
Comment: This sequence change replaces glycine, which is neutral and non-polar, with cysteine, which is neutral and slightly polar, at codon 3896 of the AKAP9 protein (p.Gly3896Cys). This variant also falls at the last nucleotide of exon 49, which is part of the consensus splice site for this exon. This variant is present in population databases (rs759598006, gnomAD 0.007%). This variant has not been reported in the literature in individuals affected with AKAP9-related conditions. ClinVar contains an entry for this variant (Variation ID: 656472). An algorithm developed to predict the effect of missense changes on protein structure and function (PolyPhen-2) suggests that this variant is likely to be tolerated. Variants that disrupt the consensus splice site are a relatively common cause of aberrant splicing (PMID: 17576681, 9536098). Algorithms developed to predict the effect of sequence changes on RNA splicing suggest that this variant may disrupt the consensus splice site. In summary, the available evidence is currently insufficient to determine the role of this variant in disease. Therefore, it has been classified as a Variant of Uncertain Significance.

Literature cited by the submitters: PubMed 17576681; PubMed 9536098.